The following continues an entry in ClinVar:

NM_000059.4(BRCA2):c.2612C>A (p.Ser871Ter)

Gene: BRCA2. ClinVar aggregate classification (germline): Pathogenic. Pathogenic (1).

Submissions 10 to 13 of 13:

Consortium of Investigators of Modifiers of BRCA1/2 (CIMBA), c/o University of Cambridge
Classification: Pathogenic for Breast-ovarian cancer, familial, susceptibility to, 2. Last evaluated: 2015-10-02. Review status: criteria provided, single submitter. Criteria: CIMBA Mutation Classification guidelines May 2016. Collection method: clinical testing. Allele origin: germline. Not counted in ClinVar's aggregate classification.

PreventionGenetics, part of Exact Sciences
Classification: Pathogenic for BRCA2-related condition. Last evaluated: 2024-05-20. Review status: no assertion criteria provided. Collection method: clinical testing. Allele origin: germline. Not counted in ClinVar's aggregate classification.
Comment: The BRCA2 c.2612C>A variant is predicted to result in premature protein termination (p.Ser871*). This variant was reported in multiple individuals with breast and/or ovarian cancer (see examples: De Talhouet et al. 2020. PubMed ID: 32341426, Labidi-Galy et al. 2018. PubMed ID: 29084914, Rebbeck et al. 2018. PubMed ID: 29446198). This variant is reported in 0.011% of alleles in individuals of African descent in gnomAD. This variant is interpreted as pathogenic and likely pathogenic in Clinvar. Another nucleotide substitution leading to the same protein truncating variant has been reported in one patient with breast cancer (c.2612C>G, p.Ser871*; Kwong et al. 2016. PubMed ID: 26187060). Nonsense variants in BRCA2 are expected to be pathogenic. The c.2612C>A variant is interpreted as pathogenic.

Sharing Clinical Reports Project (SCRP)
Classification: Pathogenic for Breast-ovarian cancer, familial 2. Last evaluated: 2012-11-29. Review status: no assertion criteria provided. Collection method: clinical testing. Allele origin: germline. Not counted in ClinVar's aggregate classification.

Department of Pathology and Laboratory Medicine, Sinai Health System
Classification: Pathogenic for Malignant tumor of breast. Review status: no assertion criteria provided. Collection method: clinical testing. Allele origin: unknown. Affected: yes. Observed: 1 variant allele. Study: The Canadian Open Genetics Repository (COGR). Not counted in ClinVar's aggregate classification.
Comment: The BRCA2 p.Ser871X variant was not identified in the literature nor was it identified in the GeneInsight-COGR database, COSMIC, the BIC database and the Fanconi Anemia Mutation Database (LOVD). In addition, the variant was not identified in the 1000 Genomes Project, the NHLBI GO Exome Sequencing Project and in the Exome Aggregation Consortium database (August 8, 2016). The variant was identified in dbSNP (ID: rs397507634) as â€šÃ„ÃºWith Pathogenic alleleâ€šÃ„Ã¹; in the ARUP Laboratories BRCA Mutations Database as definitely pathogenic; in the Clinvitae and Clinvar databases as pathogenic by Evidence-based Network for the Interpretation of Germline Mutant Allelles (Engima) Study description, Consortium of Investigators of Modifiers of BRCA1/2 (CIMBA) University of Cambridge, Ambry Genetics, and Sharing Clinical Reports Project. The variant occurs outside of the splicing consensus sequence and in silico or computational prediction software programs (SpliceSiteFinder, MaxEntScan, NNSPLICE, GeneSplicer, HumanSpliceFinder) do not predict a difference in splicing. The p.Ser871X variant leads to a premature stop codon at position 871, which is predicted to lead to a truncated or absent protein and loss of function. Loss of function variants of the BRCA2 gene are an established mechanism of disease in hereditary breast and ovarian cancer and is the type of variant expected to cause the disorder. In summary, based on the above information, this variant meets our laboratoryâ€šÃ„Ã´s criteria to be classified as pathogenic.

Literature cited by the submitters: PubMed 20104584 (cited by Labcorp Genetics (formerly Invitae), Labcorp); PubMed 26187060 (cited by Ambry Genetics and Sema4); PubMed 28993434 (cited by 5 submitters); PubMed 29084914 (cited by 5 submitters); PubMed 29446198 (cited by 5 submitters); PubMed 21120943 (cited by 4 submitters); PubMed 31263054 (cited by Color Diagnostics, LLC DBA Color Health); PubMed 32341426 (cited by 3 submitters); PubMed 34452747 (cited by Color Diagnostics, LLC DBA Color Health); PubMed 22762150 (cited by 3 submitters); PubMed 20858050 (cited by Quest Diagnostics Nichols Institute San Juan Capistrano and Women's Health and Genetics/Laboratory Corporation of America, LabCorp); PubMed 30720243 (cited by Quest Diagnostics Nichols Institute San Juan Capistrano).